The following is an entry in ClinVar:

NM_001194998.2(CEP152):c.4472C>A (p.Pro1491Gln)

Gene: CEP152 (centrosomal protein 152; minus strand). Cytogenetic location: 15q21.1.
Variant type: single nucleotide variant.
Coding change: c.4472C>A on transcript NM_001194998.2 (MANE Select); coding-DNA position 4472, C replaced by A.
Protein change: p.Pro1491Gln; replaces proline 1491 with glutamine.
Molecular consequence: missense variant.
Genome position (GRCh38, 1-based): chr15:48,738,910, G>T on the plus strand (C>A on the coding strand, the complement: CEP152 is on the minus strand). VCF-style: chr15-48738910-G-T. GRCh37 (hg19) VCF-style: chr15-49031107-G-T.
Other names: c.4304C>A, p.Pro1435Gln (NM_014985.4); short protein forms P1491Q, P1435Q.
Identifiers: ClinVar variation 1959748 (VCV001959748.3), dbSNP rs764880513, ClinGen allele CA7548091.

ClinVar aggregate classification (germline): Uncertain significance (1 of 4 stars; one submission).

gnomAD v4.1: 15 of 1,614,182 alleles (0.00093%); highest among the groups gnomAD compares: Non-Finnish European, 0.0013%; no homozygotes.

Submission:

Labcorp Genetics (formerly Invitae), Labcorp
Classification: Uncertain significance. Last evaluated: 2025-03-05. Review status: criteria provided, single submitter. Criteria: Invitae Variant Classification Sherloc (09022015). Collection method: clinical testing. Allele origin: germline.
Comment: This sequence change replaces proline, which is neutral and non-polar, with glutamine, which is neutral and polar, at codon 1435 of the CEP152 protein (p.Pro1435Gln). This variant is present in population databases (rs764880513, gnomAD 0.003%). This variant has not been reported in the literature in individuals affected with CEP152-related conditions. ClinVar contains an entry for this variant (Variation ID: 1959748). An algorithm developed to predict the effect of missense changes on protein structure and function outputs the following: PolyPhen-2: "Benign". The glutamine amino acid residue is found in multiple mammalian species, which suggests that this missense change does not adversely affect protein function. In summary, the available evidence is currently insufficient to determine the role of this variant in disease. Therefore, it has been classified as a Variant of Uncertain Significance.